The following is an entry in ClinVar:

ClinVar aggregate classification (germline): Uncertain significance (1 of 4 stars; one submission).

Submission:

GeneDx
Classification: Uncertain significance. Last evaluated: 2024-07-11. Review status: criteria provided, single submitter. Criteria: GeneDx Variant Classification Process June 2021. Collection method: clinical testing. Allele origin: germline. Affected: yes.
Comment: Not observed at significant frequency in large population cohorts (gnomAD); In silico analysis supports that this missense variant has a deleterious effect on protein structure/function; Has not been previously published as pathogenic or benign to our knowledge

NM_003660.4(PPFIA3):c.413G>A (p.Arg138His)

Gene: PPFIA3 (PTPRF interacting protein alpha 3; plus strand). Cytogenetic location: 19q13.33.
Variant type: single nucleotide variant.
Coding change: c.413G>A on transcript NM_003660.4 (MANE Select); coding-DNA position 413, G replaced by A.
Protein change: p.Arg138His; replaces arginine 138 with histidine.
Molecular consequence: missense variant. On other transcripts: non-coding transcript variant (1).
Genome position (GRCh38, 1-based): chr19:49,128,918, G>A. VCF-style: chr19-49128918-G-A. GRCh37 (hg19) VCF-style: chr19-49632175-G-A.
Other names: short protein forms R138H.
Identifiers: ClinVar variation 3572426 (VCV003572426.1).